The following is an entry in ClinVar:

NM_014249.4(NR2E3):c.449dup (p.Ala151fs)

Gene: NR2E3 (nuclear receptor subfamily 2 group E member 3; plus strand). Cytogenetic location: 15q23.
Variant type: Duplication.
Coding change: c.449dup on transcript NM_014249.4 (MANE Select); coding-DNA position 449, one base duplicated (C; older notation c.449dupC).
Protein change: p.Ala151fs; shifts the reading frame from alanine 151.
Molecular consequence: frameshift variant.
Genome position (GRCh38, 1-based): chr15:71,812,054, C duplicated; the last of 5 consecutive C bases (chr15:71,812,050-71,812,054); duplicating any one gives the same sequence. VCF-style (leftmost placement, unchanged base first): chr15-71812049-T-TC. GRCh37 (hg19) VCF-style: chr15-72104389-T-TC.
Other names: c.449dup, p.Ala151fs (NM_016346.4); short protein forms A151fs.
Identifiers: ClinVar variation 863414 (VCV000863414.9), dbSNP rs2054187597, ClinGen allele CA916083436.

ClinVar aggregate classification (germline): Pathogenic/Likely pathogenic. Review status: criteria provided, multiple submitters, no conflicts (2 of 4 stars). 2 submissions from 2 submitters: Pathogenic (1); Likely pathogenic (1). Last evaluated 2023-12-30.

Conditions:
Enhanced S-cone syndrome (ESCS). Identifiers: Orphanet 53540, MedGen C1849394, MONDO:0100288, MONDO:0009989.

Submissions (2):

Baylor Genetics
Classification: Likely pathogenic for ENHANCED S-CONE SYNDROME 1. Last evaluated: 2023-12-30. Review status: criteria provided, single submitter. Criteria: ACMG Guidelines, 2015. Collection method: clinical testing. Allele origin: unknown.

Labcorp Genetics (formerly Invitae), Labcorp
Classification: Pathogenic. Last evaluated: 2019-03-12. Review status: criteria provided, single submitter. Criteria: Invitae Variant Classification Sherloc (09022015). Collection method: clinical testing. Allele origin: germline.
Comment: Loss-of-function variants in NR2E3 are known to be pathogenic (PMID: 15453866, 15459973, 21217109, 23039133). This variant has not been reported in the literature in individuals with NR2E3-related conditions. This variant is not present in population databases (ExAC no frequency). This sequence change creates a premature translational stop signal (p.Ala151Glyfs*31) in the NR2E3 gene. It is expected to result in an absent or disrupted protein product. For these reasons, this variant has been classified as Pathogenic.

Literature cited by the submitters: PubMed 15453866 (cited by Labcorp Genetics (formerly Invitae), Labcorp); PubMed 15459973 (cited by Labcorp Genetics (formerly Invitae), Labcorp); PubMed 21217109 (cited by Labcorp Genetics (formerly Invitae), Labcorp); PubMed 23039133 (cited by Labcorp Genetics (formerly Invitae), Labcorp).